The following is an entry in ClinVar:

NM_001395159.1(UNC79):c.6071G>A (p.Arg2024His)

Gene: UNC79 (unc-79 subunit of NALCN channel complex; plus strand). Cytogenetic location: 14q32.12.
Variant type: single nucleotide variant.
Coding change: c.6071G>A on transcript NM_001395159.1 (MANE Select); coding-DNA position 6071, G replaced by A.
Protein change: p.Arg2024His; replaces arginine 2024 with histidine.
Molecular consequence: missense variant.
Genome position (GRCh38, 1-based): chr14:93,637,237, G>A. VCF-style: chr14-93637237-G-A. GRCh37 (hg19) VCF-style: chr14-94103583-G-A.
Other names: c.6005G>A, p.Arg2002His (NM_001346218.2); c.5324G>A, p.Arg1775His (NM_020818.5); short protein forms R1775H, R2002H, R2024H.
Identifiers: ClinVar variation 4681592 (VCV004681592.5).

ClinVar aggregate classification (germline): Likely benign (1 of 4 stars; one submission).

gnomAD v4.1: 16 of 1,409,220 alleles (0.0011%); highest among the groups gnomAD compares: African/African-American, 0.0028%; no homozygotes.

Submission:

CeGaT Center for Human Genetics Tuebingen
Classification: Likely benign. Last evaluated: 2025-12-01. Review status: criteria provided, single submitter. Criteria: CeGaT Center For Human Genetics Tuebingen Variant Classification Criteria Version 2. Collection method: clinical testing. Allele origin: germline. Affected: yes. Observed: 1 variant allele.
Comment: UNC79: BP4